The following is an entry in ClinVar:

NM_020458.4(TTC7A):c.1333_1334delinsGT (p.Pro445Val)

Gene: TTC7A (tetratricopeptide repeat domain 7A; plus strand). Cytogenetic location: 2p21.
Variant type: Indel.
Coding change: c.1333_1334delinsGT on transcript NM_020458.4 (MANE Select); coding-DNA positions 1333 to 1334, CC replaced by GT.
Protein change: p.Pro445Val; replaces proline 445 with valine.
Molecular consequence: missense variant.
Genome position (GRCh38, 1-based): chr2:47,011,376-47,011,377, CC replaced by GT. VCF-style: chr2-47011376-CC-GT. GRCh37 (hg19) VCF-style: chr2-47238515-CC-GT.
Other names: c.1333_1334delinsGT, p.Pro445Val (NM_001288951.2); c.1231_1232delinsGT, p.Pro411Val (NM_001288953.2); c.271_272delinsGT, p.Pro91Val (NM_001288955.2); short protein forms P411V, P445V, P91V.
Identifiers: ClinVar variation 1054316 (VCV001054316.9), dbSNP rs2104485354, ClinGen allele CA2499215985.

ClinVar aggregate classification (germline): Uncertain significance (1 of 4 stars; one submission).

Conditions:
Multiple gastrointestinal atresias. Also called: Multiple intestinal atresia; FAMILIAL INTESTINAL POLYATRESIA SYNDROME. Identifiers: Orphanet 2300, MedGen C0220744, MONDO:0009465.

Submission:

Labcorp Genetics (formerly Invitae), Labcorp
Classification: Uncertain significance for Multiple gastrointestinal atresias. Last evaluated: 2020-05-30. Review status: criteria provided, single submitter. Criteria: Invitae Variant Classification Sherloc (09022015). Collection method: clinical testing. Allele origin: germline.
Comment: This sequence change replaces proline with valine at codon 445 of the TTC7A protein (p.Pro445Val). The proline residue is moderately conserved and there is a small physicochemical difference between proline and valine. This variant is not present in population databases (ExAC no frequency). This variant has not been reported in the literature in individuals with TTC7A-related conditions. Algorithms developed to predict the effect of missense changes on protein structure and function are either unavailable or do not agree on the potential impact of this missense change (SIFT: "Not Available"; PolyPhen-2: "Probably Damaging"; Align-GVGD: "Not Available"). In summary, the available evidence is currently insufficient to determine the role of this variant in disease. Therefore, it has been classified as a Variant of Uncertain Significance.